The following is an entry in ClinVar:

ClinVar aggregate classification (germline): Uncertain significance (1 of 4 stars; one submission).

Conditions:
Hereditary attention deficit-hyperactivity disorder. Also called: HYPERACTIVITY OF CHILDHOOD. Identifiers: MedGen CN324066, MONDO:0100518, OMIM 143465.

Submissions (2):

Clinical Genomics, Uppaluri K&H Personalized Medicine Clinic
Classification: Uncertain significance for Hereditary attention deficit-hyperactivity disorder. Review status: criteria provided, single submitter. Criteria: K &amp; H Uppaluri Personalized Medicine Clinic Variant Classification &amp; Assertion Criteria_Updated V.1. Collection method: clinical testing. Allele origin: germline. Inheritance: Autosomal dominant inheritance. Affected: yes. Observed: 1 heterozygote.
Comment: Potent mutations in Dopamine receptor uptake gene leads to decreased brain uptake of neuromodulator dopamine and are strongly associated with onset of Attention deficit hyperactivity disorder. However more evidence is required to confer the association of this particular rs767239460 with Attention deficit hyperactivity disorder.

Dr. Peter K. Rogan Lab, Western University
No classification provided (evidence only). Condition: Ovarian serous cystadenocarcinoma. Review status: no classification provided. Collection method: in vitro. Allele origin: not applicable. Functional consequence: retained intron. Not counted in ClinVar's aggregate classification.

Literature cited by the submitters: PubMed 20644990 (cited by Clinical Genomics, Uppaluri K&H Personalized Medicine Clinic); PubMed 36211978 (cited by Clinical Genomics, Uppaluri K&H Personalized Medicine Clinic); PubMed 10654656 (cited by Clinical Genomics, Uppaluri K&H Personalized Medicine Clinic); PubMed 30099719 (cited by Clinical Genomics, Uppaluri K&H Personalized Medicine Clinic); PubMed 25262643 (cited by Clinical Genomics, Uppaluri K&H Personalized Medicine Clinic); PubMed 29781347 (cited by Clinical Genomics, Uppaluri K&H Personalized Medicine Clinic).

NM_000797.4(DRD4):c.812G>A (p.Arg271Gln)

Gene: DRD4 (dopamine receptor D4; plus strand). Cytogenetic location: 11p15.5.
Variant type: single nucleotide variant.
Coding change: c.812G>A on transcript NM_000797.4 (MANE Select); coding-DNA position 812, G replaced by A.
Protein change: p.Arg271Gln; replaces arginine 271 with glutamine.
Molecular consequence: missense variant.
Genome position (GRCh38, 1-based): chr11:640,061, G>A. VCF-style: chr11-640061-G-A. GRCh37 (hg19) VCF-style: chr11-640061-G-A.
Other names: NC_000011.9:g.640061G>A; short protein forms R271Q.
Identifiers: ClinVar variation 2507413 (VCV002507413.2), dbSNP rs767239460, ClinGen allele CA5785825.